The following is an entry in ClinVar:

NM_004260.4(RECQL4):c.3105C>T (p.Phe1035=)

Gene: RECQL4 (RecQ like helicase 4; minus strand). Cytogenetic location: 8q24.3.
Variant type: single nucleotide variant.
Coding change: c.3105C>T on transcript NM_004260.4 (MANE Select); coding-DNA position 3105, C replaced by T.
Protein change: p.Phe1035=; no amino-acid change (phenylalanine 1035 retained).
Molecular consequence: synonymous variant. On other transcripts: non-coding transcript variant (2).
Genome position (GRCh38, 1-based): chr8:144,512,275, G>A on the plus strand (C>T on the coding strand, the complement: RECQL4 is on the minus strand). VCF-style: chr8-144512275-G-A. GRCh37 (hg19) VCF-style: chr8-145737658-G-A.
Other names: c.2811C>T, p.Phe937= (NM_001413017.1); c.2907C>T, p.Phe969= (NM_001413018.1); c.3180C>T, p.Phe1060= (NM_001413019.1); c.3009C>T, p.Phe1003= (NM_001413020.1); c.2034C>T, p.Phe678= (NM_001413021.1, NM_001413022.1, NM_001413024.1 and 4 more transcripts); c.2109C>T, p.Phe703= (NM_001413023.1); c.2976C>T, p.Phe992= (NM_001413025.1); c.1968C>T, p.Phe656= (NM_001413027.1, NM_001413030.1, NM_001413032.1); and 9 more.
Identifiers: ClinVar variation 2031888 (VCV002031888.4), dbSNP rs1201355033, ClinGen allele CA463565918.

ClinVar aggregate classification (germline): Uncertain significance (1 of 4 stars; one submission).

Conditions:
Baller-Gerold syndrome (BGS). Also called: CRANIOSYNOSTOSIS WITH RADIAL DEFECTS. Identifiers: Orphanet 1225, MedGen C0265308, MONDO:0009039, OMIM 218600.

gnomAD v4.1: 1 of 1,612,416 alleles (0.000062%); highest among the groups gnomAD compares: Non-Finnish European, 0.000085%; no homozygotes.

Submission:

Labcorp Genetics (formerly Invitae), Labcorp
Classification: Uncertain significance for Baller-Gerold syndrome. Last evaluated: 2023-10-04. Review status: criteria provided, single submitter. Criteria: Invitae Variant Classification Sherloc (09022015). Collection method: clinical testing. Allele origin: germline.
Comment: This sequence change affects codon 1035 of the RECQL4 mRNA. It is a 'silent' change, meaning that it does not change the encoded amino acid sequence of the RECQL4 protein. This variant is not present in population databases (gnomAD no frequency). This variant has not been reported in the literature in individuals affected with RECQL4-related conditions. ClinVar contains an entry for this variant (Variation ID: 2031888). Algorithms developed to predict the effect of sequence changes on RNA splicing suggest that this variant may disrupt the consensus splice site. In summary, the available evidence is currently insufficient to determine the role of this variant in disease. Therefore, it has been classified as a Variant of Uncertain Significance.